The following is an entry in ClinVar:

ClinVar aggregate classification (germline): Pathogenic/Likely pathogenic. Review status: criteria provided, multiple submitters, no conflicts (2 of 4 stars). 7 submissions from 7 submitters: Pathogenic (5); Likely pathogenic (1). 1 of the submissions does not count toward it. Last evaluated 2025-07-30.

Conditions:
GALT-related disorder. Also called: GALT-related condition.
Galactosemia. Also called: Galactose intolerance. Identifiers: Orphanet 352, MedGen C0016952, MONDO:0018116, HP:0004919. Disease mechanism: loss of function.
Deficiency of UDPglucose-hexose-1-phosphate uridylyltransferase. Also called: GALACTOSE-1-PHOSPHATE URIDYLYLTRANSFERASE DEFICIENCY; GALT deficiency; Galactosemia, classic; Transferase Deficiency Galactosemia; GALACTOSEMIA I. Identifiers: Orphanet 352, Orphanet 79239, MedGen C0268151, MONDO:0009258, OMIM 230400.

Allele frequency attached by ClinVar (database versions not stated): gnomAD exomes below 0.00001; gnomAD 0.00001; TOPMed 0.00001.

Submissions (7):

Natera, Inc.
Classification: Pathogenic for Galactosemia. Last evaluated: 2025-07-30. Review status: criteria provided, single submitter. Criteria: Natera Variant Classification Schema (03/2026). Collection method: clinical testing. Allele origin: germline.
Comment: The c.692G>A variant in GALT is a missense variant predicted to cause substitution of arginine to histidine at amino acid 231. This variant is rare in the general population with a frequency below the threshold expected for the associated phenotype(s). This variant has been observed in one or more individuals affected with the associated recessive disease, as either homozygous or compound heterozygous with a second variant (PMID: 10573007, 22944367). Functional studies show that this variant may disrupt protein function (PMID: 10573007). Computational prediction algorithms indicate this variant is likely to affect gene or protein function. Given the available evidence, this variant is classified as Pathogenic.

Labcorp Genetics (formerly Invitae), Labcorp
Classification: Pathogenic for Deficiency of UDPglucose-hexose-1-phosphate uridylyltransferase. Last evaluated: 2024-02-22. Review status: criteria provided, single submitter. Criteria: Invitae Variant Classification Sherloc (09022015). Collection method: clinical testing. Allele origin: germline.
Comment: This sequence change replaces arginine, which is basic and polar, with histidine, which is basic and polar, at codon 231 of the GALT protein (p.Arg231His). This variant is present in population databases (rs111033754, gnomAD no frequency). This missense change has been observed in individual(s) with Galactose-1-phosphate uridylyltransferase deficiency (PMID: 7550229, 22944367, 27176039). ClinVar contains an entry for this variant (Variation ID: 25247). Advanced modeling of protein sequence and biophysical properties (such as structural, functional, and spatial information, amino acid conservation, physicochemical variation, residue mobility, and thermodynamic stability) performed at Invitae indicates that this missense variant is expected to disrupt GALT protein function with a positive predictive value of 95%. Experimental studies have shown that this missense change affects GALT function (PMID: 7550229, 11152465, 25614870). This variant disrupts the p.Arg231 amino acid residue in GALT. Other variant(s) that disrupt this residue have been determined to be pathogenic (PMID: 14518827, 22944367, 25614870, 25814382). This suggests that this residue is clinically significant, and that variants that disrupt this residue are likely to be disease-causing. For these reasons, this variant has been classified as Pathogenic.

Baylor Genetics
Classification: Pathogenic for Deficiency of UDPglucose-hexose-1-phosphate uridylyltransferase. Last evaluated: 2023-10-17. Review status: criteria provided, single submitter. Criteria: ACMG Guidelines, 2015. Collection method: clinical testing. Allele origin: unknown.

Myriad Genetics, Inc.
Classification: Likely pathogenic for Deficiency of UDPglucose-hexose-1-phosphate uridylyltransferase. Last evaluated: 2021-11-03. Review status: criteria provided, single submitter. Criteria: Myriad Women's Health Autosomal Recessive and X-Linked Classification Criteria (2021). Collection method: clinical testing. Allele origin: unknown.
Comment: NM_000155.3(GALT):c.692G>A(R231H) is a missense variant classified as likely pathogenic in the context of galactosemia. R231H has been observed in cases with relevant disease (PMID: 7550229, 22944367, 23924834, 27176039). Functional assessments of this variant are available in the literature (PMID: 11152465, 25614870). R231H has been observed in population frequency databases (gnomAD: OTH 0.02%). In summary, NM_000155.3(GALT):c.692G>A(R231H) is a missense variant that has been observed more frequently in cases with the relevant disease than in healthy populations.

Women's Health and Genetics/Laboratory Corporation of America, LabCorp
Classification: Pathogenic for Deficiency of UDPglucose-hexose-1-phosphate uridylyltransferase. Last evaluated: 2021-09-23. Review status: criteria provided, single submitter. Criteria: LabCorp Variant Classification Summary - May 2015. Collection method: clinical testing. Allele origin: germline.
Comment: Variant summary: GALT c.692G>A (p.Arg231His) results in a non-conservative amino acid change located in the Galactose-1-phosphate uridyl transferase, C-terminal domain (IPR005850) of the encoded protein sequence. Five of five in-silico tools predict a damaging effect of the variant on protein function. The variant allele was found at a frequency of 4e-06 in 250550 control chromosomes (gnomAD). c.692G>A has been reported in the literature in multiple individuals affected with Galactosemia, including one homozygote (Ashino_1995, Ozgul_2013). These data indicate that the variant is very likely to be associated with disease. Functional studies report experimental evidence evaluating an impact on protein function and this variant results in absent GALT enzyme activity (Ashino_1995, Hirokawa_1999, Riehman_2001, Coelho_2014). One ClinVar submitter (evaluation after 2014) cites the variant as pathogenic. Based on the evidence outlined above, the variant was classified as pathogenic.

Mayo Clinic Laboratories, Mayo Clinic
Classification: Pathogenic. Last evaluated: 2021-08-13. Review status: criteria provided, single submitter. Criteria: ACMG Guidelines, 2015. Collection method: clinical testing. Allele origin: germline.
Comment: PP3, PP4, PM2, PM5, PS3, PS4

PreventionGenetics, part of Exact Sciences
Classification: Pathogenic for GALT-related condition. Last evaluated: 2024-08-28. Review status: no assertion criteria provided. Collection method: clinical testing. Allele origin: germline. Not counted in ClinVar's aggregate classification.
Comment: The GALT c.692G>A variant is predicted to result in the amino acid substitution p.Arg231His. This variant has been reported in the homozygous or compound heterozygous state in patients with galactosemia, several of whom were reported to have absent GALT enzyme activity in erythrocytes (Ashino et al. 1995. PubMed ID: 7550229; Boutron et al. 2012. PubMed ID: 22944367; Garcia et al. 2016. PubMed ID: 27176039; Yuzyuk et al. 2018. PubMed ID: 30172461). The p.Arg231His substitution has been reported to reduce protein expression and enzyme activity in functional studies (Ashino et al. 1995. PubMed ID: 7550229; Riehman et al. 2001. PubMed ID: 11152465; Coelho et al. 2014. PubMed ID: 25614870). The p.Arg231 amino acid residue is located at the intersubunit interface and has been predicted to disrupt dimer association and potentially alter monomer stability (Facchiano and Marabotti. 2010. PubMed ID: 20008339; Boutron et al. 2012. PubMed ID: 22944367). A different substitution of the same amino acid (p.Arg231Cys) has also been reported in association with galactosemia (e.g., Boutron et al. 2012. PubMed ID: 22944367; Coelho et al. 2014. PubMed ID: 25614870). This variant is interpreted as pathogenic.

Literature cited by the submitters: PubMed 10573007 (cited by 3 submitters); PubMed 22944367 (cited by 4 submitters); PubMed 7550229 (cited by 4 submitters); PubMed 27176039 (cited by 3 submitters); PubMed 11152465 (cited by 4 submitters); PubMed 25614870 (cited by 4 submitters); PubMed 14518827 (cited by Labcorp Genetics (formerly Invitae), Labcorp); PubMed 25814382 (cited by Labcorp Genetics (formerly Invitae), Labcorp); PubMed 23924834 (cited by Myriad Genetics, Inc. and Women's Health and Genetics/Laboratory Corporation of America, LabCorp); PubMed 20008339 (cited by Mayo Clinic Laboratories, Mayo Clinic).

NM_000155.4(GALT):c.692G>A (p.Arg231His)

Gene: GALT (galactose-1-phosphate uridylyltransferase; plus strand). Cytogenetic location: 9p13.3.
Variant type: single nucleotide variant.
Coding change: c.692G>A on transcript NM_000155.4 (MANE Select); coding-DNA position 692, G replaced by A.
Protein change: p.Arg231His; replaces arginine 231 with histidine.
Molecular consequence: missense variant.
Genome position (GRCh38, 1-based): chr9:34,648,766, G>A. VCF-style: chr9-34648766-G-A. GRCh37 (hg19) VCF-style: chr9-34648763-G-A.
Other names: c.365G>A, p.Arg122His (NM_001258332.2); short protein forms R122H.
Identifiers: ClinVar variation 25247 (VCV000025247.22), dbSNP rs111033754, ClinGen allele CA259478.